The following is an entry in ClinVar:

ClinVar aggregate classification (germline): Uncertain significance. Review status: criteria provided, multiple submitters, no conflicts (2 of 4 stars). 2 submissions from 2 submitters: Uncertain significance (2). Last evaluated 2023-12-16.

Conditions:
Inborn genetic diseases. Identifiers: MedGen C0950123, MeSH D030342.

Allele frequency attached by ClinVar (database versions not stated): gnomAD exomes below 0.00001; TOPMed 0.00005; gnomAD 0.00006; 1000 Genomes Project 30x 0.00016; 1000 Genomes Project 0.00020.
gnomAD v4.1: 15 of 1,613,936 alleles (0.00093%); highest among the groups gnomAD compares: Admixed American, 0.022%; no homozygotes.

Submissions (2):

Ambry Genetics
Classification: Uncertain significance for Inborn genetic diseases. Last evaluated: 2023-12-16. Review status: criteria provided, single submitter. Criteria: Ambry Variant Classification Scheme 2023. Collection method: clinical testing. Allele origin: germline.

Labcorp Genetics (formerly Invitae), Labcorp
Classification: Uncertain significance. Last evaluated: 2022-11-01. Review status: criteria provided, single submitter. Criteria: Invitae Variant Classification Sherloc (09022015). Collection method: clinical testing. Allele origin: germline.
Comment: This sequence change replaces proline, which is neutral and non-polar, with threonine, which is neutral and polar, at codon 154 of the ADAMTSL4 protein (p.Pro154Thr). This variant is present in population databases (rs201977274, gnomAD 0.1%). This variant has not been reported in the literature in individuals affected with ADAMTSL4-related conditions. ClinVar contains an entry for this variant (Variation ID: 1430757). Advanced modeling of protein sequence and biophysical properties (such as structural, functional, and spatial information, amino acid conservation, physicochemical variation, residue mobility, and thermodynamic stability) has been performed at Invitae for this missense variant, however the output from this modeling did not meet the statistical confidence thresholds required to predict the impact of this variant on ADAMTSL4 protein function. In summary, the available evidence is currently insufficient to determine the role of this variant in disease. Therefore, it has been classified as a Variant of Uncertain Significance.

NM_019032.6(ADAMTSL4):c.460C>A (p.Pro154Thr)

Genes: ADAMTSL4 (ADAMTS like 4; plus strand), ADAMTSL4-AS2 (ADAMTSL4 antisense RNA 2; minus strand). Cytogenetic location: 1q21.2.
Variant type: single nucleotide variant.
Coding change: c.460C>A on transcript NM_019032.6 (MANE Select); coding-DNA position 460, C replaced by A.
Protein change: p.Pro154Thr; replaces proline 154 with threonine.
Molecular consequence: missense variant.
Genome position (GRCh38, 1-based): chr1:150,553,451, C>A. VCF-style: chr1-150553451-C-A. GRCh37 (hg19) VCF-style: chr1-150525927-C-A.
Other names: c.460C>A, p.Pro154Thr (NM_001288607.2, NM_001288608.2, NM_001378596.1 and 1 more transcripts); c.460C>A (NM_019032.4); short protein forms P154T.
Identifiers: ClinVar variation 1430757 (VCV001430757.4), dbSNP rs201977274, ClinGen allele CA30066461.